The following is an entry in ClinVar:

ClinVar aggregate classification (germline): Uncertain significance (1 of 4 stars; one submission).

Conditions:
Hypertrophic cardiomyopathy. Also called: HYPERTROPHIC MYOCARDIOPATHY. Identifiers: Orphanet 217569, MedGen C0007194, MeSH D002312, MONDO:0005045, HP:0001639.

Submission:

Labcorp Genetics (formerly Invitae), Labcorp
Classification: Uncertain significance for Hypertrophic cardiomyopathy. Last evaluated: 2023-10-13. Review status: criteria provided, single submitter. Criteria: Invitae Variant Classification Sherloc (09022015). Collection method: clinical testing. Allele origin: germline.
Comment: This sequence change replaces alanine, which is neutral and non-polar, with valine, which is neutral and non-polar, at codon 1113 of the MYH7 protein (p.Ala1113Val). This variant is not present in population databases (gnomAD no frequency). This variant has not been reported in the literature in individuals affected with MYH7-related conditions. An algorithm developed to predict the effect of missense changes on protein structure and function (PolyPhen-2) suggests that this variant is likely to be disruptive. This variant disrupts the p.Ala1113 amino acid residue in MYH7. Other variant(s) that disrupt this residue have been determined to be pathogenic (Invitae). This suggests that this residue is clinically significant, and that variants that disrupt this residue are likely to be disease-causing. In summary, the available evidence is currently insufficient to determine the role of this variant in disease. Therefore, it has been classified as a Variant of Uncertain Significance.

NM_000257.4(MYH7):c.3338C>T (p.Ala1113Val)

Gene: MYH7 (myosin heavy chain 7; minus strand). Cytogenetic location: 14q11.2.
Variant type: single nucleotide variant.
Coding change: c.3338C>T on transcript NM_000257.4 (MANE Select); coding-DNA position 3338, C replaced by T.
Protein change: p.Ala1113Val; replaces alanine 1113 with valine.
Molecular consequence: missense variant.
Genome position (GRCh38, 1-based): chr14:23,420,233, G>A on the plus strand (C>T on the coding strand, the complement: MYH7 is on the minus strand). VCF-style: chr14-23420233-G-A. GRCh37 (hg19) VCF-style: chr14-23889442-G-A.
Other names: c.3338C>T, p.Ala1113Val (NM_001407004.1); short protein forms A1113V.
Identifiers: ClinVar variation 2808410 (VCV002808410.3), dbSNP rs2502265449, ClinGen allele CA389044219.